The following is an entry in ClinVar:

ClinVar aggregate classification (germline): Pathogenic/Likely pathogenic. Review status: criteria provided, multiple submitters, no conflicts (2 of 4 stars). 5 submissions from 5 submitters: Pathogenic (2); Likely pathogenic (2). 1 of the submissions does not count toward it. Last evaluated 2025-09-23.

Conditions:
Hereditary spastic paraplegia. Also called: Familial spastic paraparesis. Identifiers: Orphanet 685, MedGen C0037773, MONDO:0019064. Disease mechanism: loss of function.
Spastic paraplegia. Identifiers: MedGen C0037772, HP:0001258.
Hereditary spastic paraplegia 5A (SPG5A). Also called: SPASTIC PARAPLEGIA 5A, AUTOSOMAL RECESSIVE. Identifiers: Orphanet 100986, MedGen C1849115, MONDO:0010047, OMIM 270800.

Allele frequency attached by ClinVar (database versions not stated): ExAC 0.00001; gnomAD 0.00001; gnomAD exomes 0.00001 and 0.00004; TOPMed 0.00002.
gnomAD v4.1: 54 of 1,614,018 alleles (0.0033%); highest among the groups gnomAD compares: Non-Finnish European, 0.0044%; no homozygotes.

Submissions (5):

Women's Health and Genetics/Laboratory Corporation of America, LabCorp
Classification: Pathogenic for Hereditary spastic paraplegia. Last evaluated: 2025-09-23. Review status: criteria provided, single submitter. Criteria: LabCorp Variant Classification Summary - May 2015. Collection method: clinical testing. Allele origin: germline.
Comment: Variant summary: CYP7B1 c.1088C>T (p.Ser363Phe) results in a non-conservative amino acid change in the encoded protein sequence. Algorithms developed to predict the effect of missense changes on protein structure and function are either unavailable or do not agree on the potential impact of this missense change. The variant allele was found at a frequency of 8e-06 in 251244 control chromosomes. c.1088C>T has been observed in multiple individuals from one consanguineous family affected with features of Hereditary Spastic Paraplegia, Type 5a (e.g., Tsaousidou_2008). These data indicate that the variant is very likely to be associated with disease. To our knowledge, no experimental evidence demonstrating an impact on protein function has been reported. The following publication has been ascertained in the context of this evaluation (PMID: 18252231). ClinVar contains an entry for this variant (Variation ID: 6101). Based on the evidence outlined above, the variant was classified as pathogenic.

GeneDx
Classification: Likely pathogenic. Last evaluated: 2025-05-02. Review status: criteria provided, single submitter. Criteria: GeneDx Variant Classification Process June 2021. Collection method: clinical testing. Allele origin: germline. Affected: yes.
Comment: Not observed at significant frequency in large population cohorts (gnomAD); In silico analysis supports that this missense variant has a deleterious effect on protein structure/function; This variant is associated with the following publications: (PMID: 21541746, 18252231)

Labcorp Genetics (formerly Invitae), Labcorp
Classification: Pathogenic for Spastic paraplegia. Last evaluated: 2024-11-30. Review status: criteria provided, single submitter. Criteria: Invitae Variant Classification Sherloc (09022015). Collection method: clinical testing. Allele origin: germline.
Comment: This sequence change replaces serine, which is neutral and polar, with phenylalanine, which is neutral and non-polar, at codon 363 of the CYP7B1 protein (p.Ser363Phe). This variant is present in population databases (rs121908610, gnomAD 0.0009%). This missense change has been observed in individual(s) with hereditary spastic paraplegia (PMID: 18252231). It has also been observed to segregate with disease in related individuals. ClinVar contains an entry for this variant (Variation ID: 6101). Invitae Evidence Modeling of protein sequence and biophysical properties (such as structural, functional, and spatial information, amino acid conservation, physicochemical variation, residue mobility, and thermodynamic stability) indicates that this missense variant is expected to disrupt CYP7B1 protein function with a positive predictive value of 95%. For these reasons, this variant has been classified as Pathogenic.

Genome Diagnostics Laboratory, The Hospital for Sick Children
Classification: Likely pathogenic for Hereditary spastic paraplegia. Last evaluated: 2023-11-12. Review status: criteria provided, single submitter. Criteria: ACMG Guidelines, 2015. Collection method: clinical testing. Allele origin: germline. Affected: yes.
Comment: This missense variant results in a change from serine to phenylalanine at amino acid position 363. It has been previously reported in a homozygous state in one consanguineous family affected with spastic paraplegia and this variant was found to segregate with disease state in this family (PMID: 18252231). Mutational analysis predicts this variant to impact phosphorylation and ligand binding (Siam et al. (2012) PMID: 21541746). In silico prediction programs gave conflicting with regards to the impact of this variant on protein function. This variant is observed at an allele frequency of 0.00080% in population controls of the Genome Aggregation Database (gnomAD). Based on the evidence above, this variant is classified as likely pathogenic (PP1_S, PM2, PM3_P).

OMIM
Classification: Pathogenic for SPASTIC PARAPLEGIA 5A, AUTOSOMAL RECESSIVE. Last evaluated: 2008-02-01. Review status: no assertion criteria provided. Collection method: literature only. Allele origin: germline. Not counted in ClinVar's aggregate classification.

Literature cited by the submitters: PubMed 29126212 (cited by Women's Health and Genetics/Laboratory Corporation of America, LabCorp); PubMed 32202070 (cited by Women's Health and Genetics/Laboratory Corporation of America, LabCorp); PubMed 18252231 (cited by 3 submitters); PubMed 12874406 (cited by OMIM).

NM_004820.5(CYP7B1):c.1088C>T (p.Ser363Phe)

Gene: CYP7B1 (cytochrome P450 family 7 subfamily B member 1; minus strand). Cytogenetic location: 8q12.3.
Variant type: single nucleotide variant.
Coding change: c.1088C>T on transcript NM_004820.5 (MANE Select); coding-DNA position 1088, C replaced by T.
Protein change: p.Ser363Phe; replaces serine 363 with phenylalanine.
Molecular consequence: missense variant.
Genome position (GRCh38, 1-based): chr8:64,604,827, G>A on the plus strand (C>T on the coding strand, the complement: CYP7B1 is on the minus strand). VCF-style: chr8-64604827-G-A. GRCh37 (hg19) VCF-style: chr8-65517384-G-A.
Other names: c.1088C>T, p.Ser363Phe (NM_001324112.2); c.1088C>T (NM_004820.3); short protein forms S363F.
Identifiers: ClinVar variation 6101 (VCV000006101.9), dbSNP rs121908610, ClinGen allele CA210940.
Genomic context (GRCh38, chr8:64,604,827, plus strand): 5'-CCGGTCTCTGAACTGAGAGTCAAATCCTCCTCAACAAAACGAATGGTGGTTGAATATGAG[G>A]ACAGTCGTAAAGCTTCAAAAATGCTGCTTTCTGAAGGAAAAAAACAAACGATAGCTTATT-3'
Protein context (NP_004811.1, residues 353-373): ESSIFEALRL[Ser363Phe]SYSTTIRFVE